The following is an entry in ClinVar:

NM_018051.5(DYNC2I1):c.519T>C (p.Asp173=)

Gene: DYNC2I1 (dynein 2 intermediate chain 1; plus strand). Cytogenetic location: 7q36.3.
Variant type: single nucleotide variant.
Coding change: c.519T>C on transcript NM_018051.5 (MANE Select); coding-DNA position 519, T replaced by C.
Protein change: p.Asp173=; no amino-acid change (aspartic acid 173 retained).
Molecular consequence: synonymous variant. On other transcripts: missense variant (1), initiator codon variant (1), 5 prime UTR variant (3).
Genome position (GRCh38, 1-based): chr7:158,876,637, T>C. VCF-style: chr7-158876637-T-C. GRCh37 (hg19) VCF-style: chr7-158669328-T-C.
Other names: c.381T>C, p.Asp127= (NM_001350914.2); c.2T>C, p.Met1Thr (NM_001350915.2); c.-840T>C (NM_001350916.2); c.-848T>C (NM_001350917.2); c.-967T>C (NM_001350918.2); short protein forms M1T.
Identifiers: ClinVar variation 707133 (VCV000707133.16), dbSNP rs76115834, ClinGen allele CA4594322.

ClinVar aggregate classification (germline): Benign/Likely benign. Review status: criteria provided, multiple submitters, no conflicts (2 of 4 stars). 2 submissions from 2 submitters: Benign (1); Likely benign (1). Last evaluated 2026-01-22.

Conditions:
Short-rib thoracic dysplasia 8 with or without polydactyly (SRTD8). Also called: SHORT-RIB THORACIC DYSPLASIA 8 WITH POLYDACTYLY. Identifiers: Orphanet 93271, MedGen C3809691, MONDO:0014214, OMIM 615503.

Allele frequency attached by ClinVar (database versions not stated): ESP Exome Variant Server 0.00008; gnomAD 0.00056; TOPMed 0.00157; 1000 Genomes Project 0.00339; 1000 Genomes Project 30x 0.00359.
gnomAD v4.1: 793 of 1,582,184 alleles (0.05%); highest among the groups gnomAD compares: East Asian, 1.1%; 4 homozygotes.

Submissions (2):

Labcorp Genetics (formerly Invitae), Labcorp
Classification: Benign for Short-rib thoracic dysplasia 8 with or without polydactyly. Last evaluated: 2026-01-22. Review status: criteria provided, single submitter. Criteria: Invitae Variant Classification Sherloc (09022015). Collection method: clinical testing. Allele origin: germline.

CeGaT Center for Human Genetics Tuebingen
Classification: Likely benign. Last evaluated: 2026-01-01. Review status: criteria provided, single submitter. Criteria: CeGaT Center For Human Genetics Tuebingen Variant Classification Criteria Version 2. Collection method: clinical testing. Allele origin: germline. Affected: yes. Observed: 3 variant alleles.
Comment: DYNC2I1: BP4, BP7, BS1